The following is an entry in ClinVar:

NM_145698.5(ACBD5):c.21T>C (p.His7=)

Genes: ACBD5 (acyl-CoA binding domain containing 5; minus strand), LOC130003557 (ATAC-STARR-seq lymphoblastoid active region 3182; plus strand). Cytogenetic location: 10p12.1.
Variant type: single nucleotide variant.
Coding change: c.21T>C on transcript NM_145698.5 (MANE Select); coding-DNA position 21, T replaced by C.
Protein change: p.His7=; no amino-acid change (histidine 7 retained).
Molecular consequence: synonymous variant. On other transcripts: 5 prime UTR variant (10), intron variant (8).
Genome position (GRCh38, 1-based): chr10:27,240,479, A>G on the plus strand (T>C on the coding strand, the complement: ACBD5 is on the minus strand). VCF-style: chr10-27240479-A-G. GRCh37 (hg19) VCF-style: chr10-27529408-A-G.
Other names: c.21T>C (NM_145698.4); c.-85T>C (NM_001042473.4, NM_001352574.2, NM_001352576.2 and 3 more transcripts); c.15T>C, p.His5= (NM_001271512.3, NM_001352571.1, NM_001352586.1 and 1 more transcripts); c.-186T>C (NM_001301251.2, NM_001301252.2, NM_001301254.2 and 1 more transcripts); c.21T>C, p.His7= (NM_001352569.1, NM_001352570.1, NM_001352573.1 and 2 more transcripts); c.-181-5T>C (NM_001301253.2, NM_001352583.1, NM_001352585.1); c.-80-5T>C (NM_001352580.2, NM_001352577.2, NM_001352575.2); c.47-5T>C (NM_001352572.1, NM_001352568.1).
Identifiers: ClinVar variation 1655205 (VCV001655205.9), dbSNP rs765551292, ClinGen allele CA5451048.

ClinVar aggregate classification (germline): Likely benign. Review status: criteria provided, multiple submitters, no conflicts (2 of 4 stars). 2 submissions from 2 submitters: Likely benign (2). Last evaluated 2025-08-25.

Conditions:
ACBD5-related disorder. Also called: ACBD5-related condition.

Allele frequency attached by ClinVar (database versions not stated): gnomAD 0.00001; gnomAD exomes 0.00003 and 0.00007; ExAC 0.00004.

Submissions (2):

Labcorp Genetics (formerly Invitae), Labcorp
Classification: Likely benign. Last evaluated: 2025-08-25. Review status: criteria provided, single submitter. Criteria: Invitae Variant Classification Sherloc (09022015). Collection method: clinical testing. Allele origin: germline.

PreventionGenetics, part of Exact Sciences
Classification: Likely benign for ACBD5-related condition. Last evaluated: 2024-12-31. Review status: criteria provided, single submitter. Criteria: ACMG Guidelines, 2015. Collection method: clinical testing. Allele origin: germline.
Comment: This variant is classified as likely benign based on ACMG/AMP sequence variant interpretation guidelines (Richards et al. 2015 PMID: 25741868, with internal and published modifications).